The following is an entry in ClinVar:

ClinVar aggregate classification (germline): Uncertain significance (1 of 4 stars; one submission).

Conditions:
Hereditary cancer-predisposing syndrome. Also called: Tumor predisposition; Hereditary neoplastic syndrome; Hereditary Cancer Syndrome; Neoplastic Syndromes, Hereditary. Identifiers: Orphanet 140162, MedGen C0027672, MeSH D009386, MONDO:0015356.

Submission:

Ambry Genetics
Classification: Uncertain significance for Hereditary cancer-predisposing syndrome. Last evaluated: 2025-04-25. Review status: criteria provided, single submitter. Criteria: Ambry Variant Classification Scheme 2023. Collection method: clinical testing. Allele origin: germline.
Comment: The c.-4G>C variant is located in the 5' untranslated region (5&rsquo; UTR) of the RAD51D gene. This variant results from a G to C substitution 4 bases upstream from the first translated codon. This nucleotide position is well conserved in available vertebrate species. Based on the available evidence, the clinical significance of this variant remains unclear.

NM_002878.4(RAD51D):c.-4G>C

Genes: RAD51D (RAD51 paralog D; minus strand), RAD51L3-RFFL (RAD51L3-RFFL readthrough; minus strand). Cytogenetic location: 17q12.
Variant type: single nucleotide variant.
Coding change: c.-4G>C on transcript NM_002878.4 (MANE Select); 4 bases upstream of the start codon, G replaced by C.
Molecular consequence: 5 prime UTR variant. On other transcripts: non-coding transcript variant (2).
Genome position (GRCh38, 1-based): chr17:35,119,617, C>G on the plus strand (G>C on the coding strand, the complement: RAD51D is on the minus strand). VCF-style: chr17-35119617-C-G. GRCh37 (hg19) VCF-style: chr17-33446636-C-G.
Other names: c.-4G>C (NM_133629.3, NM_001142571.2).
Identifiers: ClinVar variation 3942376 (VCV003942376.1).
Genomic context (GRCh38, chr17:35,119,617, plus strand): 5'-AAGCTGGATCATCTCCTCGGTAAGGCCAGGGCACAGTCCGACCCTGAGCACGCCCATGTT[C>G]CCCGCAGGCCGGAACAGCCCCAGGGGGACTGCACGTCACGTGGGCATTCGCGGGGGGTCC-3'